The following is an entry in ClinVar:

NM_198994.3(TGM6):c.11del (p.Ile4fs)

Gene: TGM6 (transglutaminase 6; plus strand). Cytogenetic location: 20p13.
Variant type: Deletion.
Coding change: c.11del on transcript NM_198994.3 (MANE Select); coding-DNA position 11, one base deleted (T; older notation c.11delT).
Protein change: p.Ile4fs; shifts the reading frame from isoleucine 4.
Molecular consequence: frameshift variant.
Genome position (GRCh38, 1-based): chr20:2,394,455, T deleted. VCF-style (leftmost placement, unchanged base first): chr20-2394454-AT-A. GRCh37 (hg19) VCF-style: chr20-2375100-AT-A.
Other names: c.11del, p.Ile4fs (NM_001254734.2); c.11delT (NM_198994.3); short protein forms I4fs.
Identifiers: ClinVar variation 995037 (VCV000995037.3), dbSNP rs1218671148, ClinGen allele CA634327252.

ClinVar aggregate classification (germline): Uncertain significance. Review status: criteria provided, multiple submitters, no conflicts (2 of 4 stars). 2 submissions from 2 submitters: Uncertain significance (2). Last evaluated 2020-03-23.

Allele frequency attached by ClinVar (database versions not stated): gnomAD exomes below 0.00001 and 0.00001; TOPMed 0.00001.

Submissions (2):

Laboratorio de Genetica e Diagnostico Molecular, Hospital Israelita Albert Einstein
Classification: Uncertain significance. Last evaluated: 2020-03-23. Review status: criteria provided, single submitter. Criteria: ACMG Guidelines, 2015. Collection method: clinical testing. Allele origin: germline. Affected: yes.
Comment: ACMG classification criteria: PM2

Athena Diagnostics
Classification: Uncertain significance. Last evaluated: 2019-10-25. Review status: criteria provided, single submitter. Criteria: Athena Diagnostics Criteria. Collection method: clinical testing. Allele origin: unknown.